The following is an entry in ClinVar:

NM_001374736.1(DST):c.12627C>G (p.Ser4209Arg)

Gene: DST (dystonin; minus strand). Cytogenetic location: 6p12.1.
Variant type: single nucleotide variant.
Coding change: c.12627C>G on transcript NM_001374736.1 (MANE Select); coding-DNA position 12627, C replaced by G.
Protein change: p.Ser4209Arg; replaces serine 4209 with arginine.
Molecular consequence: missense variant.
Genome position (GRCh38, 1-based): chr6:56,593,762, G>C on the plus strand (C>G on the coding strand, the complement: DST is on the minus strand). VCF-style: chr6-56593762-G-C. GRCh37 (hg19) VCF-style: chr6-56458560-G-C.
Other names: c.6270C>G, p.Ser2090Arg (NM_001144769.5); c.5856C>G, p.Ser1952Arg (NM_001144770.2); c.12627C>G, p.Ser4209Arg (NM_001374722.1); c.11994C>G, p.Ser3998Arg (NM_001374729.1); c.5736C>G, p.Ser1912Arg (NM_001374730.1, NM_183380.4); c.12654C>G, p.Ser4218Arg (NM_001374734.1); c.4758C>G, p.Ser1586Arg (NM_015548.5); short protein forms S1586R, S3998R, S4218R, S1952R, S4209R, S1912R, S2090R.
Identifiers: ClinVar variation 969863 (VCV000969863.8), dbSNP rs1259234822, ClinGen allele CA364525519.

ClinVar aggregate classification (germline): Uncertain significance (1 of 4 stars; one submission).

Conditions:
Epidermolysis bullosa simplex 3, localized or generalized intermediate, with BP230 deficiency (EBS3). Also called: Epidermolysis bullosa simplex, autosomal recessive 2; Epidermolysis bullosa simplex due to BP230 deficiency. Identifiers: Orphanet 412181, MedGen C3809470, MONDO:0014180, OMIM 615425.
Hereditary sensory and autonomic neuropathy type 6. Also called: Neuropathy, hereditary sensory and autonomic, type VI; HSAN VI. Identifiers: Orphanet 314381, MedGen C3539003, MONDO:0013839, OMIM 614653.

Allele frequency attached by ClinVar (database versions not stated): gnomAD 0.00001.
gnomAD v4.1: 2 of 1,613,846 alleles (0.00012%); highest among the groups gnomAD compares: Non-Finnish European, 0.00017%; no homozygotes.

Submission:

Labcorp Genetics (formerly Invitae), Labcorp
Classification: Uncertain significance for Epidermolysis bullosa simplex 3, localized or generalized intermediate, with BP230 deficiency; Hereditary sensory and autonomic neuropathy type 6. Last evaluated: 2019-03-27. Review status: criteria provided, single submitter. Criteria: Invitae Variant Classification Sherloc (09022015). Collection method: clinical testing. Allele origin: germline.
Comment: This sequence change replaces serine with arginine at codon 1586 of the DST protein (p.Ser1586Arg). The serine residue is moderately conserved and there is a moderate physicochemical difference between serine and arginine. The DST gene has multiple clinically relevant transcripts. The p.Ser1586Arg variant occurs in alternate transcript NM_015548.4, which corresponds to c.*21755C>G in NM_001723.5, the primary transcript listed in the Methods. This variant is not present in population databases (ExAC no frequency). This variant has not been reported in the literature in individuals with DST-related conditions. Algorithms developed to predict the effect of missense changes on protein structure and function (SIFT, PolyPhen-2, Align-GVGD) all suggest that this variant is likely to be tolerated, but these predictions have not been confirmed by published functional studies and their clinical significance is uncertain. In summary, the available evidence is currently insufficient to determine the role of this variant in disease. Therefore, it has been classified as a Variant of Uncertain Significance.